The following is an entry in ClinVar:

NM_198578.4(LRRK2):c.4310A>G (p.Asn1437Ser)

Gene: LRRK2 (leucine rich repeat kinase 2; plus strand). Cytogenetic location: 12q12.
Variant type: single nucleotide variant.
Coding change: c.4310A>G on transcript NM_198578.4 (MANE Select); coding-DNA position 4310, A replaced by G.
Protein change: p.Asn1437Ser; replaces asparagine 1437 with serine.
Molecular consequence: missense variant.
Genome position (GRCh38, 1-based): chr12:40,309,226, A>G. VCF-style: chr12-40309226-A-G. GRCh37 (hg19) VCF-style: chr12-40703028-A-G.
Other names: short protein forms N1437S.
Identifiers: ClinVar variation 872630 (VCV000872630.40), dbSNP rs1944946235, ClinGen allele CA384418228.

ClinVar aggregate classification (germline): Conflicting classifications of pathogenicity. Review status: criteria provided, conflicting classifications (1 of 4 stars). 3 submissions from 3 submitters: Pathogenic (1); Likely pathogenic (1); Uncertain significance (1). Last evaluated 2023-03-30.

Conditions:
Parkinson disease (PD). Identifiers: MedGen C0030567, MeSH D010300, MONDO:0005180.
LRRK2-related disorder. Also called: LRRK2-related condition.

Submissions (3):

Molecular Genetics, Royal Melbourne Hospital
Classification: Uncertain significance for Parkinson disease. Last evaluated: 2023-03-30. Review status: criteria provided, single submitter. Criteria: ACMG Guidelines, 2015. Collection method: clinical testing. Allele origin: germline. Affected: yes.
Comment: This sequence change in LRRK2 is predicted to replace asparagine with serine at codon 1437, p.(Asn1437Ser). The asparagine residue is highly conserved (100 vertebrates, UCSC), and is located at a critical amino acid in the Roc GTPase domain (PMID: 30592623, 32613234). There is a small physicochemical difference between asparagine and serine. This variant is absent from gnomAD v2.1 and v3.1. This variant has been reported in at least two probands with Parkinson disease, with limited segregation with disease reported in one family (PMID: 21989859; Royal Melbourne Hospital). A co-immunoprecipitation assay in HEK293 cells showed reduced interaction with a protein involved in a feedback loop regulating LRRK2 activity, indicating that this variant impacts protein function (PMID: 21048939). Multiple lines of computational evidence have conflicting predictions for the missense substitution (4/6 algorithms predict deleterious). Other missense variants in the same codon (p.Asn1437His, p.Asn1437Asp) have been reported in individuals with Parkinson disease (PMID: 21641848, 32613234). Based on the classification scheme RMH Modified ACMG Guidelines v1.5.1, this variant is classified as a VARIANT OF UNCERTAIN SIGNIFICANCE. Following criteria are met: PM1, PS3_Supporting, PS4_Supporting, PM2_Supporting.

Blueprint Genetics
Classification: Likely pathogenic for LRRK2-related disorders. Last evaluated: 2020-11-20. Review status: criteria provided, single submitter. Criteria: ACMG Guidelines, 2015. Collection method: clinical testing. Allele origin: germline. Affected: yes. Observed: 1 variant allele.

CeGaT Center for Human Genetics Tuebingen
Classification: Pathogenic. Last evaluated: 2018-11-01. Review status: criteria provided, single submitter. Criteria: CeGaT Center For Human Genetics Tuebingen Variant Classification Criteria Version 2. Collection method: clinical testing. Allele origin: germline. Affected: yes. Observed: 2 variant alleles.

Literature cited by the submitters: PubMed 21048939 (cited by Molecular Genetics, Royal Melbourne Hospital); PubMed 21641848 (cited by Molecular Genetics, Royal Melbourne Hospital); PubMed 21989859 (cited by Molecular Genetics, Royal Melbourne Hospital); PubMed 30592623 (cited by Molecular Genetics, Royal Melbourne Hospital); PubMed 32613234 (cited by Molecular Genetics, Royal Melbourne Hospital).